The following is an entry in ClinVar:

ClinVar aggregate classification (germline): Conflicting classifications of pathogenicity. Review status: criteria provided, conflicting classifications (1 of 4 stars). 11 submissions from 11 submitters: Uncertain significance (1); Benign (1); Likely benign (7). 2 of the submissions do not count toward it. Last evaluated 2026-08-01.

Conditions:
Developmental and epileptic encephalopathy, 14 (DEE14). Also called: Early infantile epileptic encephalopathy 14. Identifiers: Orphanet 293181, MedGen C3554195, MONDO:0013989, OMIM 614959.
Autosomal dominant nocturnal frontal lobe epilepsy 5. Also called: Epilepsy, nocturnal frontal lobe, 5; CILIARY DYSKINESIA, PRIMARY, 28, WITHOUT SITUS INVERSUS; CILIARY DYSKINESIA, PRIMARY, 28, WITH SITUS INVERSUS; KCNT1-Related Epilepsy. Identifiers: Orphanet 98784, MedGen C3554306, MONDO:0014002, OMIM 615005.
KCNT1-related disorder. Also called: KCNT1-related condition.
Inborn genetic diseases. Identifiers: MedGen C0950123, MeSH D030342.
Self-limited epilepsy with centrotemporal spikes. Also called: Rolandic epilepsy; Childhood epilepsy with centrotemporal spikes. Identifiers: Orphanet 1945, MedGen C0376532, MONDO:0007295.

Allele frequency attached by ClinVar (database versions not stated): 1000 Genomes Project 30x 0.00016; 1000 Genomes Project 0.00020; ExAC 0.00090; gnomAD 0.00102 and 0.00128; gnomAD exomes 0.00105 and 0.00171; TOPMed 0.00141; ESP Exome Variant Server 0.00200.
gnomAD v4.1: 2,669 of 1,604,120 alleles (0.17%); highest among the groups gnomAD compares: Non-Finnish European, 0.2%; 4 homozygotes.

Submissions (11):

CeGaT Center for Human Genetics Tuebingen
Classification: Likely benign. Last evaluated: 2026-08-01. Review status: criteria provided, single submitter. Criteria: CeGaT Center For Human Genetics Tuebingen Variant Classification Criteria Version 2. Collection method: clinical testing. Allele origin: germline. Affected: yes. Observed: 8 variant alleles.
Comment: KCNT1: BP4, BS1

Labcorp Genetics (formerly Invitae), Labcorp
Classification: Likely benign for Autosomal dominant nocturnal frontal lobe epilepsy 5; Developmental and epileptic encephalopathy, 14. Last evaluated: 2026-01-28. Review status: criteria provided, single submitter. Criteria: Invitae Variant Classification Sherloc (09022015). Collection method: clinical testing. Allele origin: germline.

Blueprint Genetics
Classification: Likely benign. Last evaluated: 2024-09-11. Review status: criteria provided, single submitter. Criteria: ACMG Guidelines, 2015. Collection method: clinical testing. Allele origin: germline.

Ambry Genetics
Classification: Likely benign for Inborn genetic diseases. Last evaluated: 2021-07-27. Review status: criteria provided, single submitter. Criteria: Ambry Variant Classification Scheme 2023. Collection method: clinical testing. Allele origin: germline.

GeneDx
Classification: Likely benign. Last evaluated: 2021-04-27. Review status: criteria provided, single submitter. Criteria: GeneDx Variant Classification Process June 2021. Collection method: clinical testing. Allele origin: germline. Affected: yes.

Athena Diagnostics
Classification: Benign. Last evaluated: 2019-06-17. Review status: criteria provided, single submitter. Criteria: Athena Diagnostics Criteria. Collection method: clinical testing. Allele origin: germline.

Institute for Genomic Medicine (IGM) Clinical Laboratory, Nationwide Children's Hospital
Classification: Likely benign. Last evaluated: 2017-04-28. Review status: criteria provided, single submitter. Criteria: ACMG Guidelines, 2015. Collection method: clinical testing. Allele origin: germline.
Comment: BS1,BP4,BP6; This alteration has an allele frequency that is greater than expected for the associated disease, is predicted to be tolerated by multiple functional prediction tools, and was reported as a benign/likely benign alteration by a reputable source (ClinVar or other correspondence from a clinical testing laboratory).

Eurofins Ntd Llc (ga)
Classification: Likely benign. Last evaluated: 2015-10-16. Review status: criteria provided, single submitter. Criteria: EGL Classification Definitions 2015. Collection method: clinical testing. Allele origin: germline. Observed: 3 variant alleles, 3 heterozygotes.

Genetic Services Laboratory, University of Chicago
Classification: Uncertain significance. Last evaluated: 2015-05-26. Review status: criteria provided, single submitter. Criteria: ACMG Guidelines, 2015. Collection method: clinical testing. Allele origin: germline.

PreventionGenetics, part of Exact Sciences
Classification: Likely benign for KCNT1-related condition. Last evaluated: 2020-07-28. Review status: no assertion criteria provided. Collection method: clinical testing. Allele origin: germline. Not counted in ClinVar's aggregate classification.
Comment: This variant is classified as likely benign based on ACMG/AMP sequence variant interpretation guidelines (Richards et al. 2015 PMID: 25741868, with internal and published modifications).

Bioinformatics Core, Luxembourg Center for Systems Biomedicine
Classification: Pathogenic for Self-limited epilepsy with centrotemporal spikes. Last evaluated: 2017-01-01. Review status: no assertion criteria provided. Collection method: case-control. Allele origin: germline. Affected: yes. Study: EUROEPINOMICS COGIE. Not counted in ClinVar's aggregate classification.

Literature cited by the submitters: PubMed 29358611 (cited by Bioinformatics Core, Luxembourg Center for Systems Biomedicine).

NM_020822.3(KCNT1):c.3641G>A (p.Arg1214Gln)

Gene: KCNT1 (potassium sodium-activated channel subfamily T member 1; plus strand). Cytogenetic location: 9q34.3.
Variant type: single nucleotide variant.
Coding change: c.3641G>A on transcript NM_020822.3 (MANE Select); coding-DNA position 3641, G replaced by A.
Protein change: p.Arg1214Gln; replaces arginine 1214 with glutamine.
Molecular consequence: missense variant.
Genome position (GRCh38, 1-based): chr9:135,792,094, G>A. VCF-style: chr9-135792094-G-A. GRCh37 (hg19) VCF-style: chr9-138683940-G-A.
Other names: c.3569G>A, p.Arg1190Gln (NM_001272003.2); short protein forms R1214Q, R1190Q.
Identifiers: ClinVar variation 211244 (VCV000211244.55), dbSNP rs138282349, ClinGen allele CA206835.